The following is an entry in ClinVar:

ClinVar aggregate classification (germline): Uncertain significance. Review status: criteria provided, single submitter (1 of 4 stars). 2 submissions from 2 submitters: Uncertain significance (1). 1 of the submissions does not count toward it. Last evaluated 2025-12-24.

Conditions:
Isolated sedoheptulokinase deficiency. Also called: Sedoheptulokinase deficiency. Identifiers: Orphanet 440713, MedGen C1291373, MONDO:0014969, OMIM 617213.

Allele frequency attached by ClinVar (database versions not stated): 1000 Genomes Project 0.00060; 1000 Genomes Project 30x 0.00062; ESP Exome Variant Server 0.00062; TOPMed 0.00070; ExAC 0.00051; gnomAD 0.00057 and 0.00058.
gnomAD v4.1: 1,199 of 1,614,038 alleles (0.074%); highest among the groups gnomAD compares: Non-Finnish European, 0.092%; 2 homozygotes.

Submissions (2):

Labcorp Genetics (formerly Invitae), Labcorp
Classification: Uncertain significance. Last evaluated: 2025-12-24. Review status: criteria provided, single submitter. Criteria: Invitae Variant Classification Sherloc (09022015). Collection method: clinical testing. Allele origin: germline.
Comment: This sequence change creates a premature translational stop signal (p.Arg119*) in the SHPK gene. It is expected to result in an absent or disrupted protein product. However, the current clinical and genetic evidence is not sufficient to establish whether loss-of-function variants in SHPK cause disease. This variant is present in population databases (rs144071313, gnomAD 0.09%), and has an allele count higher than expected for a pathogenic variant. This premature translational stop signal has been observed in individual(s) with sedoheptulokinase deficiency (PMID: 25647543). ClinVar contains an entry for this variant (Variation ID: 372202). Algorithms developed to predict the effect of variants on gene product structure and function are not available or were not evaluated for this variant. Experimental studies have shown that this premature translational stop signal affects SHPK function (PMID: 25647543). In summary, the available evidence is currently insufficient to determine the role of this variant in disease. Therefore, it has been classified as a Variant of Uncertain Significance.

OMIM
Classification: Affects for SEDOHEPTULOKINASE DEFICIENCY. Last evaluated: 2016-11-22. Review status: no assertion criteria provided. Collection method: literature only. Allele origin: germline. Not counted in ClinVar's aggregate classification.

Literature cited by the submitters: PubMed 25647543 (cited by Labcorp Genetics (formerly Invitae), Labcorp and OMIM); Hamosh, A. Personal Communication. 2016. Baltimore, Md. (cited by OMIM).

NM_013276.4(SHPK):c.355C>T (p.Arg119Ter)

Genes: SHPK (sedoheptulokinase; minus strand), LOC126862464 (MED14-independent group 3 enhancer GRCh37_chr17:3526895-3528094; plus strand). Cytogenetic location: 17p13.2.
Variant type: single nucleotide variant.
Coding change: c.355C>T on transcript NM_013276.4 (MANE Select); coding-DNA position 355, C replaced by T.
Protein change: p.Arg119Ter; replaces arginine 119 with a stop codon.
Molecular consequence: nonsense.
Genome position (GRCh38, 1-based): chr17:3,624,187, G>A on the plus strand (C>T on the coding strand, the complement: SHPK is on the minus strand). VCF-style: chr17-3624187-G-A. GRCh37 (hg19) VCF-style: chr17-3527481-G-A.
Other names: SHPK, ARG119TER (rs144071313); short protein forms R119*.
Identifiers: ClinVar variation 372202 (VCV000372202.6), dbSNP rs144071313, ClinGen allele CA8291354.